The following is an entry in ClinVar:

NM_006929.5(SKIC2):c.1652G>A (p.Arg551His)

Gene: SKIC2 (SKI2 subunit of superkiller complex; plus strand). Cytogenetic location: 6p21.33.
Variant type: single nucleotide variant.
Coding change: c.1652G>A on transcript NM_006929.5 (MANE Select); coding-DNA position 1652, G replaced by A.
Protein change: p.Arg551His; replaces arginine 551 with histidine.
Molecular consequence: missense variant.
Genome position (GRCh38, 1-based): chr6:31,963,917, G>A. VCF-style: chr6-31963917-G-A. GRCh37 (hg19) VCF-style: chr6-31931694-G-A.
Other names: short protein forms R551H.
Identifiers: ClinVar variation 1474597 (VCV001474597.5), dbSNP rs753741305, ClinGen allele CA3729550.

ClinVar aggregate classification (germline): Uncertain significance (1 of 4 stars; one submission).

Allele frequency attached by ClinVar (database versions not stated): TOPMed below 0.00001; gnomAD 0.00002; ExAC 0.00004; gnomAD exomes 0.00004.
gnomAD v4.1: 42 of 1,609,420 alleles (0.0026%); highest among the groups gnomAD compares: South Asian, 0.021%; no homozygotes.

Submission:

Labcorp Genetics (formerly Invitae), Labcorp
Classification: Uncertain significance. Last evaluated: 2021-08-14. Review status: criteria provided, single submitter. Criteria: Invitae Variant Classification Sherloc (09022015). Collection method: clinical testing. Allele origin: germline.
Comment: This sequence change replaces arginine with histidine at codon 551 of the SKIV2L protein (p.Arg551His). The arginine residue is moderately conserved and there is a small physicochemical difference between arginine and histidine. This variant is present in population databases (rs753741305, ExAC 0.02%). This variant has not been reported in the literature in individuals affected with SKIV2L-related conditions. Algorithms developed to predict the effect of missense changes on protein structure and function are either unavailable or do not agree on the potential impact of this missense change (SIFT: "Deleterious"; PolyPhen-2: "Possibly Damaging"; Align-GVGD: "Class C0"). In summary, the available evidence is currently insufficient to determine the role of this variant in disease. Therefore, it has been classified as a Variant of Uncertain Significance.